The following is an entry in ClinVar:

ClinVar aggregate classification (germline): Uncertain significance (1 of 4 stars; one submission).

Allele frequency attached by ClinVar (database versions not stated): ExAC 0.00004; gnomAD 0.00007; TOPMed 0.00009.
gnomAD v4.1: 40 of 1,611,740 alleles (0.0025%); highest among the groups gnomAD compares: African/African-American, 0.019%; no homozygotes.

Submission:

CeGaT Center for Human Genetics Tuebingen
Classification: Uncertain significance. Last evaluated: 2024-05-01. Review status: criteria provided, single submitter. Criteria: CeGaT Center For Human Genetics Tuebingen Variant Classification Criteria Version 2. Collection method: clinical testing. Allele origin: germline. Affected: yes. Observed: 1 variant allele.
Comment: PRDM8: PM2

NM_001099403.2(PRDM8):c.751G>A (p.Gly251Ser)

Gene: PRDM8 (PR/SET domain 8; plus strand). Cytogenetic location: 4q21.21.
Variant type: single nucleotide variant.
Coding change: c.751G>A on transcript NM_001099403.2 (MANE Select); coding-DNA position 751, G replaced by A.
Protein change: p.Gly251Ser; replaces glycine 251 with serine.
Molecular consequence: missense variant.
Genome position (GRCh38, 1-based): chr4:80,202,213, G>A. VCF-style: chr4-80202213-G-A. GRCh37 (hg19) VCF-style: chr4-81123367-G-A.
Other names: c.751G>A, p.Gly251Ser (NM_020226.4); short protein forms G251S.
Identifiers: ClinVar variation 3239226 (VCV003239226.19), dbSNP rs756183779.
Genomic context (GRCh38, chr4:80,202,213, plus strand): 5'-GGCCCCCTCCACCACTACCCATCCCCCTCCCCGGAAAGCAGCAACCCATCCGCTGCCGCC[G>A]GCGGCAGCAGCGCGAAGCCATCCACAGACTTCCACAACCTGGCCAGGGAGCTGGAAAACT-3'
Protein context (NP_001092873.1, residues 241-261): PESSNPSAAA[Gly251Ser]GSSAKPSTDF